The following is an entry in ClinVar:

NM_015175.3(NBEAL2):c.1353G>A (p.Pro451=)

Gene: NBEAL2 (neurobeachin like 2; plus strand). Cytogenetic location: 3p21.31.
Variant type: single nucleotide variant.
Coding change: c.1353G>A on transcript NM_015175.3 (MANE Select); coding-DNA position 1353, G replaced by A.
Protein change: p.Pro451=; no amino-acid change (proline 451 retained).
Molecular consequence: synonymous variant.
Genome position (GRCh38, 1-based): chr3:46,995,088, G>A. VCF-style: chr3-46995088-G-A. GRCh37 (hg19) VCF-style: chr3-47036578-G-A.
Other names: p.Pro451=; c.1251G>A, p.Pro417= (NM_001365116.2).
Identifiers: ClinVar variation 260578 (VCV000260578.13), dbSNP rs115611407, ClinGen allele CA2360373.

ClinVar aggregate classification (germline): Benign/Likely benign. Review status: criteria provided, multiple submitters, no conflicts (2 of 4 stars). 7 submissions from 7 submitters: Benign (6); Likely benign (1). Last evaluated 2026-01-31.

Conditions:
Gray platelet syndrome (GPS). Also called: BLEEDING DISORDER, PLATELET-TYPE, 4. Identifiers: Orphanet 721, MedGen C0272302, MONDO:0007686, OMIM 139090.

Allele frequency attached by ClinVar (database versions not stated): ESP Exome Variant Server 0.01501; TOPMed 0.03649; 1000 Genomes Project 30x 0.05340; 1000 Genomes Project 0.05571; gnomAD exomes 0.06231; ExAC 0.09123.
gnomAD v4.1: 43,181 of 1,567,158 alleles (2.8%); highest among the groups gnomAD compares: Admixed American, 18%; 1,915 homozygotes.

Submissions (7):

Labcorp Genetics (formerly Invitae), Labcorp
Classification: Benign. Last evaluated: 2026-01-31. Review status: criteria provided, single submitter. Criteria: Invitae Variant Classification Sherloc (09022015). Collection method: clinical testing. Allele origin: germline.

Blueprint Genetics
Classification: Likely benign. Last evaluated: 2024-11-26. Review status: criteria provided, single submitter. Criteria: ACMG Guidelines, 2015. Collection method: clinical testing. Allele origin: germline.

Mayo Clinic Laboratories, Mayo Clinic
Classification: Benign. Last evaluated: 2022-09-29. Review status: criteria provided, single submitter. Criteria: ACMG Guidelines, 2015. Collection method: clinical testing. Allele origin: germline. Observed: 42 variant alleles.

GeneDx
Classification: Benign. Last evaluated: 2021-06-09. Review status: criteria provided, single submitter. Criteria: GeneDx Variant Classification Process June 2021. Collection method: clinical testing. Allele origin: germline. Affected: yes.

Illumina Laboratory Services, Illumina
Classification: Benign for Gray platelet syndrome. Last evaluated: 2018-01-13. Review status: criteria provided, single submitter. Criteria: ICSL Variant Classification Criteria 13 December 2019. Collection method: clinical testing. Allele origin: germline.
Comment: This variant was observed in the ICSL laboratory as part of a predisposition screen in an ostensibly healthy population. It had not been previously curated by ICSL or reported in the Human Gene Mutation Database (HGMD: prior to June 1st, 2018), and was therefore a candidate for classification through an automated scoring system. Utilizing variant allele frequency, disease prevalence and penetrance estimates, and inheritance mode, an automated score was calculated to assess if this variant is too frequent to cause the disease. Based on the score and internal cut-off values, a variant classified as benign is not then subjected to further curation. The score for this variant resulted in a classification of benign for this disease.

Breakthrough Genomics
Classification: Benign. Review status: criteria provided, single submitter. Criteria: ACMG Guidelines, 2015. Collection method: not provided. Allele origin: germline. Inheritance: Autosomal recessive inheritance. Affected: yes.

PreventionGenetics, part of Exact Sciences
Classification: Benign. Review status: criteria provided, single submitter. Criteria: ACMG Guidelines, 2015. Collection method: clinical testing. Allele origin: germline.